The following is an entry in ClinVar:

ClinVar aggregate classification (germline): Likely pathogenic (1 of 4 stars; one submission).

Submission:

Dasa
Classification: Likely pathogenic. Last evaluated: 2025-02-07. Review status: criteria provided, single submitter. Criteria: DASA Assertion Criteria. Collection method: clinical testing. Allele origin: germline.
Comment: NM_001567.4(INPPL1):c.3466dup (p.Arg1156Profs*59) is a frameshift variant in INPPL1 predicted to alter the reading frame and introduce a premature termination codon and is predicted to result in an absent or altered protein product. Loss of function is an established disease mechanism for INPPL1-associated disorders. Also, this variant is rare in population databases. Based on the currently available evidence, this variant is classified as likely pathogenic.

NM_001567.4(INPPL1):c.3466dup (p.Arg1156fs)

Gene: INPPL1 (inositol polyphosphate phosphatase like 1; plus strand). Cytogenetic location: 11q13.4.
Variant type: Duplication.
Coding change: c.3466dup on transcript NM_001567.4 (MANE Select); coding-DNA position 3466, one base duplicated (C; older notation c.3466dupC).
Protein change: p.Arg1156fs; shifts the reading frame from arginine 1156.
Molecular consequence: frameshift variant.
Genome position (GRCh38, 1-based): chr11:72,237,710, C duplicated; the last of 7 consecutive C bases (chr11:72,237,704-72,237,710); duplicating any one gives the same sequence. VCF-style (leftmost placement, unchanged base first): chr11-72237703-G-GC. GRCh37 (hg19) VCF-style: chr11-71948747-G-GC.
Other names: c.3532dup, p.Arg1178fs (NM_001440434.1); c.3466dup, p.Arg1156fs (NM_001440435.1, NM_001440436.1, NM_001440438.1); c.3325dup, p.Arg1109fs (NM_001440437.1); short protein forms R1109fs, R1156fs, R1178fs.
Identifiers: ClinVar variation 4886479 (VCV004886479.2).
Genomic context (GRCh38, chr11:72,237,703, plus strand): 5'-GGACTATGCCCCTGCTGGGCCTGCACGCTCAGCGCTCCTCCCAGGCCCCCTGGAGCTGCA[G>GC]CCCCCCCGGGGACTGCCCTCGGACTATGGCCGGCCCCTCAGCTTCCCTCCACCCCGCATC-3'